The following is an entry in ClinVar:

ClinVar aggregate classification (germline): Uncertain significance. Review status: criteria provided, multiple submitters, no conflicts (2 of 4 stars). 2 submissions from 2 submitters: Uncertain significance (2). Last evaluated 2025-04-01.

Conditions:
Hawkinsinuria. Identifiers: Orphanet 2118, MedGen C2931042, MONDO:0007700, OMIM 140350, HP:0034457.
Tyrosinemia type III. Also called: Tyrosinemia type 3; 4-alpha hydroxyphenylpyruvic acid oxidase deficiency; 4-alpha hydroxyphenylpyruvate dioxygenase deficiency; 4-Hydroxyphenylpyruvate dioxygenase deficiency; 4-HYDROXYPHENYLPYRUVIC ACID OXIDASE DEFICIENCY. Identifiers: Orphanet 69723, MedGen C0268623, MONDO:0010162, OMIM 276710.
Inborn genetic diseases. Identifiers: MedGen C0950123, MeSH D030342.

Submissions (2):

Ambry Genetics
Classification: Uncertain significance for Inborn genetic diseases. Last evaluated: 2025-04-01. Review status: criteria provided, single submitter. Criteria: Ambry Variant Classification Scheme 2023. Collection method: clinical testing. Allele origin: germline.

Labcorp Genetics (formerly Invitae), Labcorp
Classification: Uncertain significance for Tyrosinemia type III; Hawkinsinuria. Last evaluated: 2025-03-31. Review status: criteria provided, single submitter. Criteria: Invitae Variant Classification Sherloc (09022015). Collection method: clinical testing. Allele origin: germline.
Comment: This sequence change replaces aspartic acid, which is acidic and polar, with glutamic acid, which is acidic and polar, at codon 182 of the HPD protein (p.Asp182Glu). This variant is not present in population databases (gnomAD no frequency). This variant has not been reported in the literature in individuals affected with HPD-related conditions. Invitae Evidence Modeling of protein sequence and biophysical properties (such as structural, functional, and spatial information, amino acid conservation, physicochemical variation, residue mobility, and thermodynamic stability) indicates that this missense variant is expected to disrupt HPD protein function with a positive predictive value of 80%. In summary, the available evidence is currently insufficient to determine the role of this variant in disease. Therefore, it has been classified as a Variant of Uncertain Significance.

NM_002150.3(HPD):c.546C>A (p.Asp182Glu)

Genes: HPD (4-hydroxyphenylpyruvate dioxygenase; minus strand), TIALD (transcript inducer of AURKA lysosomal degradation; plus strand). Cytogenetic location: 12q24.31.
Variant type: single nucleotide variant.
Coding change: c.546C>A on transcript NM_002150.3 (MANE Select); coding-DNA position 546, C replaced by A.
Protein change: p.Asp182Glu; replaces aspartic acid 182 with glutamic acid.
Molecular consequence: missense variant.
Genome position (GRCh38, 1-based): chr12:121,849,049, G>T on the plus strand (C>A on the coding strand, the complement: HPD is on the minus strand). VCF-style: chr12-121849049-G-T. GRCh37 (hg19) VCF-style: chr12-122286955-G-T.
Other names: c.429C>A, p.Asp143Glu (NM_001171993.2); short protein forms D182E, D143E.
Identifiers: ClinVar variation 4036113 (VCV004036113.2).